The following is an entry in ClinVar:

ClinVar aggregate classification (germline): Uncertain significance. Review status: criteria provided, multiple submitters, no conflicts (2 of 4 stars). 4 submissions from 4 submitters: Uncertain significance (4). Last evaluated 2025-02-18.

Conditions:
Hereditary cancer-predisposing syndrome. Also called: Neoplastic Syndromes, Hereditary; Tumor predisposition; Hereditary Cancer Syndrome; Hereditary neoplastic syndrome. Identifiers: Orphanet 140162, MedGen C0027672, MeSH D009386, MONDO:0015356.
Hereditary nonpolyposis colorectal neoplasms. Identifiers: MedGen C0009405, MeSH D003123.
Lynch syndrome. Identifiers: Orphanet 144, MedGen C4552100, MONDO:0005835. Disease mechanism: loss of function.
Endometrial carcinoma. Also called: Endometrial carcinoma, somatic. Identifiers: MedGen C0476089, MONDO:0002447, OMIM 608089, HP:0012114.
Lynch syndrome 5 (LYNCH5). Also called: Colorectal cancer, hereditary nonpolyposis, type 5; Hereditary non-polyposis colorectal cancer, type 5. Identifiers: Orphanet 144, MedGen C1833477, MONDO:0013710, OMIM 614350. Disease mechanism: loss of function.
Mismatch repair cancer syndrome 3. Identifiers: MedGen C5436807, MONDO:0030841, OMIM 619097.

Allele frequency attached by ClinVar (database versions not stated): gnomAD exomes 0.00001.
gnomAD v4.1: 8 of 1,613,860 alleles (0.0005%); highest among the groups gnomAD compares: Non-Finnish European, 0.00068%; no homozygotes.

Submissions (4):

Labcorp Genetics (formerly Invitae), Labcorp
Classification: Uncertain significance for Hereditary nonpolyposis colorectal neoplasms. Last evaluated: 2025-02-18. Review status: criteria provided, single submitter. Criteria: Invitae Variant Classification Sherloc (09022015). Collection method: clinical testing. Allele origin: germline.
Comment: This sequence change replaces arginine, which is basic and polar, with glycine, which is neutral and non-polar, at codon 1176 of the MSH6 protein (p.Arg1176Gly). This variant is present in population databases (no rsID available, gnomAD 0.002%). This variant has not been reported in the literature in individuals affected with MSH6-related conditions. ClinVar contains an entry for this variant (Variation ID: 651861). Invitae Evidence Modeling incorporating data from in vitro experimental studies (internal data) indicates that this missense variant is expected to disrupt MSH6 function with a positive predictive value of 95%. In summary, the available evidence is currently insufficient to determine the role of this variant in disease. Therefore, it has been classified as a Variant of Uncertain Significance.

Ambry Genetics
Classification: Uncertain significance for Hereditary cancer-predisposing syndrome. Last evaluated: 2024-12-04. Review status: criteria provided, single submitter. Criteria: Ambry Variant Classification Scheme 2023. Collection method: clinical testing. Allele origin: germline.
Comment: The p.R1176G variant (also known as c.3526A>G), located in coding exon 6 of the MSH6 gene, results from an A to G substitution at nucleotide position 3526. The arginine at codon 1176 is replaced by glycine, an amino acid with dissimilar properties. This amino acid position is conserved. In addition, this alteration is predicted to be deleterious by in silico analysis. Since supporting evidence is limited at this time, the clinical significance of this alteration remains unclear.

All of Us Research Program, National Institutes of Health
Classification: Uncertain significance for Lynch syndrome. Last evaluated: 2024-05-30. Review status: criteria provided, single submitter. Criteria: ACMG Guidelines, 2015. Collection method: clinical testing. Allele origin: germline. Inheritance: Autosomal dominant inheritance. Observed: 1 variant allele, 1 heterozygote.
Comment: This missense variant replaces arginine with glycine at codon 1176 of the MSH6 protein. Computational prediction suggests that this variant may have deleterious impact on protein structure and function (internally defined REVEL score threshold >= 0.7, PMID: 27666373). To our knowledge, functional studies have not been reported for this variant. This variant has not been reported in individuals affected with MSH6-related disorders in the literature. This variant has been identified in 2/251266 chromosomes in the general population by the Genome Aggregation Database (gnomAD). The available evidence is insufficient to determine the role of this variant in disease conclusively. Therefore, this variant is classified as a Variant of Uncertain Significance.

This study involves interpretation of variants in research participants for the purpose of population health screening. Participant phenotype was not available at the time of variant classification. Additional details can be found in publication PMID: 35346344, PMCID: PMC8962531

Fulgent Genetics
Classification: Uncertain significance for Endometrial carcinoma; Lynch syndrome 5; Mismatch repair cancer syndrome 3. Last evaluated: 2024-03-18. Review status: criteria provided, single submitter. Criteria: ACMG Guidelines, 2015. Collection method: clinical testing. Allele origin: germline.

NM_000179.3(MSH6):c.3526A>G (p.Arg1176Gly)

Gene: MSH6 (mutS homolog 6; plus strand). Cytogenetic location: 2p16.3.
Variant type: single nucleotide variant.
Coding change: c.3526A>G on transcript NM_000179.3 (MANE Select); coding-DNA position 3526, A replaced by G.
Protein change: p.Arg1176Gly; replaces arginine 1176 with glycine.
Molecular consequence: missense variant.
Genome position (GRCh38, 1-based): chr2:47,804,997, A>G. VCF-style: chr2-47804997-A-G. GRCh37 (hg19) VCF-style: chr2-48032136-A-G.
Other names: c.3136A>G, p.Arg1046Gly (NM_001281492.2); c.2620A>G, p.Arg874Gly (NM_001281493.2, NM_001281494.2); short protein forms R874G, R1176G, R1046G.
Identifiers: ClinVar variation 651861 (VCV000651861.14), dbSNP rs786203968, ClinGen allele CA346760221.